The following is an entry in ClinVar:

ClinVar aggregate classification (germline): Uncertain significance. Review status: criteria provided, multiple submitters, no conflicts (2 of 4 stars). 2 submissions from 2 submitters: Uncertain significance (2). Last evaluated 2021-08-29.

Conditions:
Hyperprolinemia type 2 (HYRPRO2). Also called: 1-PYRROLINE-5-CARBOXYLATE DEHYDROGENASE DEFICIENCY; Deficiency of pyrroline-5-carboxylate reductase; Delta-1-pyrroline-5-carboxylate dehydrogenase deficiency. Identifiers: Orphanet 79101, MedGen C2931835, MONDO:0009401, OMIM 239510.

Allele frequency attached by ClinVar (database versions not stated): TOPMed 0.00003; gnomAD exomes 0.00005; ExAC 0.00007; ESP Exome Variant Server 0.00015.
gnomAD v4.1: 38 of 1,613,334 alleles (0.0024%); highest among the groups gnomAD compares: Middle Eastern, 0.083%; no homozygotes.

Submissions (2):

Labcorp Genetics (formerly Invitae), Labcorp
Classification: Uncertain significance for Hyperprolinemia type 2. Last evaluated: 2021-08-29. Review status: criteria provided, single submitter. Criteria: Invitae Variant Classification Sherloc (09022015). Collection method: clinical testing. Allele origin: germline.
Comment: ClinVar contains an entry for this variant (Variation ID: 294373). This variant has not been reported in the literature in individuals affected with ALDH4A1-related conditions. This variant is present in population databases (rs148586081, ExAC 0.01%). This sequence change replaces glycine with arginine at codon 418 of the ALDH4A1 protein (p.Gly418Arg). The glycine residue is highly conserved and there is a moderate physicochemical difference between glycine and arginine. In summary, the available evidence is currently insufficient to determine the role of this variant in disease. Therefore, it has been classified as a Variant of Uncertain Significance. Algorithms developed to predict the effect of missense changes on protein structure and function (SIFT, PolyPhen-2, Align-GVGD) all suggest that this variant is likely to be disruptive.

Illumina Laboratory Services, Illumina
Classification: Uncertain significance for Hyperprolinemia type 2. Last evaluated: 2018-01-13. Review status: criteria provided, single submitter. Criteria: ICSL Variant Classification Criteria 13 December 2019. Collection method: clinical testing. Allele origin: germline.

NM_003748.4(ALDH4A1):c.1252G>C (p.Gly418Arg)

Gene: ALDH4A1 (aldehyde dehydrogenase 4 family member A1; minus strand). Cytogenetic location: 1p36.13.
Variant type: single nucleotide variant.
Coding change: c.1252G>C on transcript NM_003748.4 (MANE Select); coding-DNA position 1252, G replaced by C.
Protein change: p.Gly418Arg; replaces glycine 418 with arginine.
Molecular consequence: missense variant. On other transcripts: intron variant (1).
Genome position (GRCh38, 1-based): chr1:18,876,401, C>G on the plus strand (G>C on the coding strand, the complement: ALDH4A1 is on the minus strand). VCF-style: chr1-18876401-C-G. GRCh37 (hg19) VCF-style: chr1-19202895-C-G.
Other names: c.1072G>C, p.Gly358Arg (NM_001161504.2); c.1252G>C, p.Gly418Arg (NM_170726.3); c.1185+807G>C (NM_001319218.2); short protein forms G418R, G358R.
Identifiers: ClinVar variation 294373 (VCV000294373.10), dbSNP rs148586081, ClinGen allele CA646982.